The following is an entry in ClinVar:

ClinVar aggregate classification (germline): Likely benign. Review status: criteria provided, multiple submitters, no conflicts (2 of 4 stars). 2 submissions from 2 submitters: Likely benign (2). Last evaluated 2025-12-01.

Conditions:
Idiopathic generalized epilepsy. Also called: Generalised epilepsy; EIG. Identifiers: MedGen C0270850, MONDO:0005579, OMIM 600669.
Epilepsy, idiopathic generalized, susceptibility to, 13. Also called: EPILEPSY, JUVENILE MYOCLONIC, SUSCEPTIBILITY TO, 5. Identifiers: Orphanet 307, Orphanet 64280, MedGen C4013473, MONDO:0012627, OMIM 611136.
Epilepsy, childhood absence 4 (ECA4). Also called: EPILEPSY, CHILDHOOD ABSENCE, SUSCEPTIBILITY TO, 4. Identifiers: Orphanet 307, MedGen C1970160.

Allele frequency attached by ClinVar (database versions not stated): gnomAD exomes 0.00001 and 0.00002; ExAC 0.00003; ESP Exome Variant Server 0.00008; TOPMed 0.00012; gnomAD 0.00013 and 0.00015; 1000 Genomes Project 0.00040; 1000 Genomes Project 30x 0.00047.
gnomAD v4.1: 31 of 1,611,970 alleles (0.0019%); highest among the groups gnomAD compares: African/African-American, 0.039%; no homozygotes.

Submissions (2):

Labcorp Genetics (formerly Invitae), Labcorp
Classification: Likely benign for Epilepsy, childhood absence 4; Epilepsy, idiopathic generalized, susceptibility to, 13; Idiopathic generalized epilepsy. Last evaluated: 2025-12-01. Review status: criteria provided, single submitter. Criteria: Invitae Variant Classification Sherloc (09022015). Collection method: clinical testing. Allele origin: germline.

GeneDx
Classification: Likely benign. Last evaluated: 2018-02-09. Review status: criteria provided, single submitter. Criteria: GeneDx Variant Classification (06012015). Collection method: clinical testing. Allele origin: germline. Affected: yes.
Comment: This variant is considered likely benign or benign based on one or more of the following criteria: it is a conservative change, it occurs at a poorly conserved position in the protein, it is predicted to be benign by multiple in silico algorithms, and/or has population frequency not consistent with disease.

NM_001127644.2(GABRA1):c.704-17T>G

Gene: GABRA1 (gamma-aminobutyric acid type A receptor subunit alpha1; plus strand). Cytogenetic location: 5q34.
Variant type: single nucleotide variant.
Coding change: c.704-17T>G on transcript NM_001127644.2 (MANE Select); 17 bases into the intron before coding-DNA position 704, T replaced by G.
Molecular consequence: intron variant.
Genome position (GRCh38, 1-based): chr5:161,890,881, T>G. VCF-style: chr5-161890881-T-G. GRCh37 (hg19) VCF-style: chr5-161317887-T-G.
Other names: c.704-17T>G (NM_000806.5, NM_001127643.2, NM_001127645.2 and 1 more transcripts).
Identifiers: ClinVar variation 517959 (VCV000517959.9), dbSNP rs115043829, ClinGen allele CA3544507.